The following is an entry in ClinVar:

NM_001278716.2(FBXL4):c.1103+13C>T

Gene: FBXL4 (F-box and leucine rich repeat protein 4; minus strand). Cytogenetic location: 6q16.2.
Variant type: single nucleotide variant.
Coding change: c.1103+13C>T on transcript NM_001278716.2 (MANE Select); 13 bases into the intron after coding-DNA position 1103, C replaced by T.
Molecular consequence: intron variant.
Genome position (GRCh38, 1-based): chr6:98,905,413, G>A on the plus strand (C>T on the coding strand, the complement: FBXL4 is on the minus strand). VCF-style: chr6-98905413-G-A. GRCh37 (hg19) VCF-style: chr6-99353289-G-A.
Other names: c.1103+13C>T (NM_012160.5).
Identifiers: ClinVar variation 437691 (VCV000437691.11), dbSNP rs182076681, ClinGen allele CA3933546.
Genomic context (GRCh38, chr6:98,905,413, plus strand): 5'-ATGAAAACCACTACATAATAAGTATAACCTGCTGCTGGGGGGGAAAAAAACTTCATCAAG[G>A]CTTTGTACTAACCTGCTAAATCCTGCAACAGAGATGAAGCCTCTATTGCCAGTCCAAGAT-3'

ClinVar aggregate classification (germline): Conflicting classifications of pathogenicity. Review status: criteria provided, conflicting classifications (1 of 4 stars). 3 submissions from 3 submitters: Uncertain significance (2); Likely benign (1). Last evaluated 2025-01-27.

Conditions:
Mitochondrial DNA depletion syndrome 13. Also called: FBXL4-Related Encephalomyopathic Mitochondrial DNA Depletion Syndrome; Mitochondrial DNA depletion syndrome 13 (encephalomyopathic type). Identifiers: Orphanet 369897, MedGen C3809592, MONDO:0014198, OMIM 615471.

Allele frequency attached by ClinVar (database versions not stated): TOPMed 0.00010; gnomAD 0.00016; 1000 Genomes Project 30x 0.00031; ESP Exome Variant Server 0.00031; 1000 Genomes Project 0.00040.
gnomAD v4.1: 32 of 1,612,624 alleles (0.002%); highest among the groups gnomAD compares: African/African-American, 0.035%; no homozygotes.

Submissions (3):

Labcorp Genetics (formerly Invitae), Labcorp
Classification: Likely benign. Last evaluated: 2025-01-27. Review status: criteria provided, single submitter. Criteria: Invitae Variant Classification Sherloc (09022015). Collection method: clinical testing. Allele origin: germline.

Revvity Omics, Revvity
Classification: Uncertain significance for Mitochondrial DNA depletion syndrome 13. Last evaluated: 2022-08-15. Review status: criteria provided, single submitter. Criteria: ACMG Guidelines, 2015. Collection method: clinical testing. Allele origin: germline.

Wong Mito Lab, Molecular and Human Genetics, Baylor College of Medicine
Classification: Uncertain significance for Mitochondrial DNA depletion syndrome 13. Last evaluated: 2017-08-10. Review status: criteria provided, single submitter. Criteria: ACMG Guidelines, 2015. Collection method: reference population. Allele origin: germline.
Comment: The NM_012160.4:c.1103+13C>T (NP_036292.2:p.=) [GRCH38: NC_000006.12:g.98905413G>A] variant in FBXL4 gene is interpretated to be a Uncertain Significance - Insufficient Evidence based on ACMG guidelines (PMID: 25741868). This variant meets one or more of the following evidence codes reported in the ACMG-guideline. PM2:This variant is absent in key population databases. Based on this evidence code ClinGen Pathogenicity Calculator (PMID:28081714) suggested that the variant is Uncertain Significance - Insufficient Evidence.